The following is an entry in ClinVar:

NM_001041.4(SI):c.3229C>T (p.Arg1077Ter)

Gene: SI (sucrase-isomaltase; minus strand). Cytogenetic location: 3q26.1.
Variant type: single nucleotide variant.
Coding change: c.3229C>T on transcript NM_001041.4 (MANE Select); coding-DNA position 3229, C replaced by T.
Protein change: p.Arg1077Ter; replaces arginine 1077 with a stop codon.
Molecular consequence: nonsense.
Genome position (GRCh38, 1-based): chr3:165,021,254, G>A on the plus strand (C>T on the coding strand, the complement: SI is on the minus strand). VCF-style: chr3-165021254-G-A. GRCh37 (hg19) VCF-style: chr3-164739042-G-A.
Other names: short protein forms R1077*.
Identifiers: ClinVar variation 1454102 (VCV001454102.7), dbSNP rs1000661675, ClinGen allele CA86516769.
Genomic context (GRCh38, chr3:165,021,254, plus strand): 5'-AAATATCCTTTATATCAAATAATTCAATTACTTACATGACTCTTCCACTGCTTCTCCGTC[G>A]AATCTGGATGCCAAAAGGATTTTCCTTGATTTCCACATCATAAAGTCTGTCTTCATAAGT-3'

ClinVar aggregate classification (germline): Pathogenic. Review status: criteria provided, multiple submitters, no conflicts (2 of 4 stars). 2 submissions from 2 submitters: Pathogenic (2). Last evaluated 2025-03-13.

Conditions:
Sucrase-isomaltase deficiency (CSID). Also called: SI DEFICIENCY; Congenital sucrose isomaltose malabsorption; Sucrose isomaltose enzyme deficiency; Deficiency of isomaltase. Identifiers: Orphanet 35122, MedGen C1283620, MONDO:0009114, OMIM 222900.

Allele frequency attached by ClinVar (database versions not stated): gnomAD 0.00001; gnomAD exomes 0.00002.
gnomAD v4.1: 24 of 1,610,748 alleles (0.0015%); highest among the groups gnomAD compares: Non-Finnish European, 0.0019%; no homozygotes.

Submissions (2):

Labcorp Genetics (formerly Invitae), Labcorp
Classification: Pathogenic. Last evaluated: 2025-03-13. Review status: criteria provided, single submitter. Criteria: Invitae Variant Classification Sherloc (09022015). Collection method: clinical testing. Allele origin: germline.
Comment: This sequence change creates a premature translational stop signal (p.Arg1077*) in the SI gene. It is expected to result in an absent or disrupted protein product. Loss-of-function variants in SI are known to be pathogenic (PMID: 16329100, 23103650, 25452324). This variant is present in population databases (no rsID available, gnomAD 0.004%). This variant has not been reported in the literature in individuals affected with SI-related conditions. ClinVar contains an entry for this variant (Variation ID: 1454102). For these reasons, this variant has been classified as Pathogenic.

Fulgent Genetics
Classification: Pathogenic for Sucrase-isomaltase deficiency. Last evaluated: 2021-08-05. Review status: criteria provided, single submitter. Criteria: ACMG Guidelines, 2015. Collection method: clinical testing. Allele origin: unknown.

Literature cited by the submitters: PubMed 16329100 (cited by Labcorp Genetics (formerly Invitae), Labcorp); PubMed 23103650 (cited by Labcorp Genetics (formerly Invitae), Labcorp); PubMed 25452324 (cited by Labcorp Genetics (formerly Invitae), Labcorp).